The following is an entry in ClinVar:

NM_001048174.2(MUTYH):c.1146G>T (p.Glu382Asp)

Gene: MUTYH (mutY DNA glycosylase; minus strand). Cytogenetic location: 1p34.1.
Variant type: single nucleotide variant.
Coding change: c.1146G>T on transcript NM_001048174.2 (MANE Select); coding-DNA position 1146, G replaced by T.
Protein change: p.Glu382Asp; replaces glutamic acid 382 with aspartic acid.
Molecular consequence: missense variant. On other transcripts: non-coding transcript variant (7).
Genome position (GRCh38, 1-based): chr1:45,331,513, C>A on the plus strand (G>T on the coding strand, the complement: MUTYH is on the minus strand). VCF-style: chr1-45331513-C-A. GRCh37 (hg19) VCF-style: chr1-45797185-C-A.
Other names: c.1146G>T, p.Glu382Asp (NM_001048171.2, NM_001048173.2, NM_001293195.2 and 6 more transcripts); c.1149G>T, p.Glu383Asp (NM_001048172.2, NM_001407071.1, NM_001407078.1 and 1 more transcripts); c.1230G>T, p.Glu410Asp (NM_001128425.2); c.1191G>T, p.Glu397Asp (NM_001293190.2); c.1179G>T, p.Glu393Asp (NM_001293191.2, NM_001407069.1, NM_001407077.1); c.870G>T, p.Glu290Asp (NM_001293192.2, NM_001293196.2, NM_001407091.1); c.801G>T, p.Glu267Asp (NM_001350650.2, NM_001350651.2, NM_001407082.1); c.1062G>T, p.Glu354Asp (NM_001407075.1); and 5 more; short protein forms E267D, E290D, E354D, E368D, E369D, E382D, E383D, E389D.
Identifiers: ClinVar variation 3074290 (VCV003074290.3), dbSNP rs2523964081, ClinGen allele CA340133021.

ClinVar aggregate classification (germline): Uncertain significance. Review status: criteria provided, multiple submitters, no conflicts (2 of 4 stars). 3 submissions from 3 submitters: Uncertain significance (3). Last evaluated 2025-08-27.

Conditions:
Familial adenomatous polyposis 2. Also called: COLORECTAL ADENOMATOUS POLYPOSIS, AUTOSOMAL RECESSIVE; ADENOMAS, MULTIPLE COLORECTAL, AUTOSOMAL RECESSIVE; MYH-associated polyposis; MUTYH-associated polyposis; MUTYH-related attenuated familial adenomatous polyposis; MUTYH Polyposis. Identifiers: Orphanet 220460, Orphanet 247798, MedGen C3272841, MONDO:0012041, OMIM 608456.
Hereditary cancer-predisposing syndrome. Also called: Tumor predisposition; Hereditary Cancer Syndrome; Hereditary neoplastic syndrome; Neoplastic Syndromes, Hereditary. Identifiers: Orphanet 140162, MedGen C0027672, MeSH D009386, MONDO:0015356.

Allele frequency attached by ClinVar (database versions not stated): gnomAD exomes below 0.00001.
gnomAD v4.1: 1 of 1,614,164 alleles (0.000062%); highest among the groups gnomAD compares: Non-Finnish European, 0.000085%; no homozygotes.

Submissions (3):

Ambry Genetics
Classification: Uncertain significance for Hereditary cancer-predisposing syndrome. Last evaluated: 2025-08-27. Review status: criteria provided, single submitter. Criteria: Ambry Variant Classification Scheme 2023. Collection method: clinical testing. Allele origin: germline.
Comment: The p.E410D variant (also known as c.1230G>T), located in coding exon 13 of the MUTYH gene, results from a G to T substitution at nucleotide position 1230. The glutamic acid at codon 410 is replaced by aspartic acid, an amino acid with highly similar properties. This amino acid position is conserved. In addition, this alteration is predicted to be tolerated by in silico analysis. Based on the available evidence, the clinical significance of this variant remains unclear.

Color Diagnostics, LLC DBA Color Health
Classification: Uncertain significance for Hereditary cancer-predisposing syndrome. Last evaluated: 2023-12-05. Review status: criteria provided, single submitter. Criteria: ACMG Guidelines, 2015. Collection method: clinical testing. Allele origin: germline.
Comment: This missense variant replaces glutamic acid with aspartic acid at codon 410 of the MUTYH protein. Computational prediction suggests that this variant may not impact protein structure and function. To our knowledge, functional studies have not been reported for this variant. This variant has not been reported in individuals affected with MUTYH-related disorders in the literature. This variant has not been identified in the general population by the Genome Aggregation Database (gnomAD). The available evidence is insufficient to determine the role of this variant in disease conclusively. Therefore, this variant is classified as a Variant of Uncertain Significance.

All of Us Research Program, National Institutes of Health
Classification: Uncertain significance for Familial adenomatous polyposis 2. Last evaluated: 2023-04-27. Review status: criteria provided, single submitter. Criteria: ACMG Guidelines, 2015. Collection method: clinical testing. Allele origin: germline. Inheritance: Autosomal recessive inheritance. Observed: 1 variant allele, 1 heterozygote.
Comment: This study involves interpretation of variants in research participants for the purpose of population health screening. Participant phenotype was not available at the time of variant classification. Additional details can be found in publication PMID: 35346344, PMCID: PMC8962531